The following is an entry in ClinVar:

ClinVar aggregate classification (germline): Uncertain significance (1 of 4 stars; one submission).

Conditions:
Retinitis pigmentosa 59 (RP59). Identifiers: Orphanet 791, MedGen C3151227, MONDO:0013468, OMIM 613861.

Allele frequency attached by ClinVar (database versions not stated): gnomAD exomes below 0.00001; gnomAD 0.00001; TOPMed below 0.00001.
gnomAD v4.1: 4 of 1,614,024 alleles (0.00025%); highest among the groups gnomAD compares: African/African-American, 0.0053%; no homozygotes.

Submission:

Labcorp Genetics (formerly Invitae), Labcorp
Classification: Uncertain significance for Retinitis pigmentosa 59. Last evaluated: 2024-10-29. Review status: criteria provided, single submitter. Criteria: Invitae Variant Classification Sherloc (09022015). Collection method: clinical testing. Allele origin: germline.
Comment: This sequence change replaces leucine, which is neutral and non-polar, with valine, which is neutral and non-polar, at codon 245 of the DHDDS protein (p.Leu245Val). This variant is present in population databases (no rsID available, gnomAD 0.007%). This variant has not been reported in the literature in individuals affected with DHDDS-related conditions. ClinVar contains an entry for this variant (Variation ID: 1442006). Invitae Evidence Modeling of protein sequence and biophysical properties (such as structural, functional, and spatial information, amino acid conservation, physicochemical variation, residue mobility, and thermodynamic stability) indicates that this missense variant is not expected to disrupt DHDDS protein function with a negative predictive value of 80%. In summary, the available evidence is currently insufficient to determine the role of this variant in disease. Therefore, it has been classified as a Variant of Uncertain Significance.

NM_205861.3(DHDDS):c.733C>G (p.Leu245Val)

Gene: DHDDS (dehydrodolichyl diphosphate synthase subunit; plus strand). Cytogenetic location: 1p36.11.
Variant type: single nucleotide variant.
Coding change: c.733C>G on transcript NM_205861.3 (MANE Select); coding-DNA position 733, C replaced by G.
Protein change: p.Leu245Val; replaces leucine 245 with valine.
Molecular consequence: missense variant.
Genome position (GRCh38, 1-based): chr1:26,460,112, C>G. VCF-style: chr1-26460112-C-G. GRCh37 (hg19) VCF-style: chr1-26786603-C-G.
Other names: c.631C>G, p.Leu211Val (NM_001243564.2); c.616C>G, p.Leu206Val (NM_001243565.2); c.454C>G, p.Leu152Val (NM_001319959.2); c.733C>G, p.Leu245Val (NM_024887.4); short protein forms L152V, L245V, L206V, L211V.
Identifiers: ClinVar variation 1442006 (VCV001442006.9), dbSNP rs1305856826, ClinGen allele CA339145284.